The following is an entry in ClinVar:

NM_001206744.2(TPO):c.1303C>T (p.Gln435Ter)

Gene: TPO (thyroid peroxidase; plus strand). Cytogenetic location: 2p25.3.
Variant type: single nucleotide variant.
Coding change: c.1303C>T on transcript NM_001206744.2 (MANE Select); coding-DNA position 1303, C replaced by T.
Protein change: p.Gln435Ter; replaces glutamine 435 with a stop codon.
Molecular consequence: nonsense. On other transcripts: intron variant (1).
Genome position (GRCh38, 1-based): chr2:1,477,569, C>T. VCF-style: chr2-1477569-C-T. GRCh37 (hg19) VCF-style: chr2-1481341-C-T.
Other names: c.1303C>T, p.Gln435Ter (NM_000547.6, NM_001206745.2, NM_175719.4 and 1 more transcripts); c.820-7027C>T (NM_175722.3); short protein forms Q435*.
Identifiers: ClinVar variation 4710691 (VCV004710691.1).

ClinVar aggregate classification (germline): Pathogenic (1 of 4 stars; one submission).

gnomAD v4.1: 5 of 1,537,360 alleles (0.00033%); highest among the groups gnomAD compares: South Asian, 0.0048%; no homozygotes.

Submission:

Labcorp Genetics (formerly Invitae), Labcorp
Classification: Pathogenic. Last evaluated: 2025-11-24. Review status: criteria provided, single submitter. Criteria: Invitae Variant Classification Sherloc (09022015). Collection method: clinical testing. Allele origin: germline.
Comment: This sequence change creates a premature translational stop signal (p.Gln435*) in the TPO gene. It is expected to result in an absent or disrupted protein product. Loss-of-function variants in TPO are known to be pathogenic (PMID: 11061528, 23236987, 25564141). The frequency data for this variant in the population databases is considered unreliable, as metrics indicate poor data quality at this position in the gnomAD database. This variant has not been reported in the literature in individuals affected with TPO-related conditions. For these reasons, this variant has been classified as Pathogenic.

Literature cited by the submitters: PubMed 11061528; PubMed 23236987; PubMed 25564141.